The following is an entry in ClinVar:

ClinVar aggregate classification (germline): Benign. Review status: reviewed by expert panel (3 of 4 stars). 34 submissions from 34 submitters: Benign (1). 33 of the submissions do not count toward it. Last evaluated 2015-01-12.

Conditions:
Breast and/or ovarian cancer. Identifiers: MedGen CN221562.
Inherited breast cancer and ovarian cancer.
Hereditary cancer-predisposing syndrome. Also called: Tumor predisposition; Hereditary neoplastic syndrome; Hereditary Cancer Syndrome; Neoplastic Syndromes, Hereditary. Identifiers: Orphanet 140162, MedGen C0027672, MeSH D009386, MONDO:0015356.
Hereditary breast ovarian cancer syndrome. Also called: Hereditary breast and/or ovarian cancer syndrome; Breast and ovarian cancer; Hereditary breast and ovarian cancer syndrome; Hereditary breast and ovarian cancer; Hereditary breast and ovarian cancer syndrome (HBOC); BRCA1- and BRCA2-Associated Hereditary Breast and Ovarian Cancer. Identifiers: Orphanet 145, MedGen C0677776, MeSH D061325, MONDO:0003582. Disease mechanism: loss of function.
Breast-ovarian cancer, familial, susceptibility to, 1 (BROVCA1). Also called: BRCA1 Hereditary Breast and Ovarian Cancer; OVARIAN CANCER, SUSCEPTIBILITY TO. Identifiers: Orphanet 145, MedGen C2676676, MONDO:0011450, OMIM 604370. Disease mechanism: loss of function.
Familial cancer of breast. Also called: Hereditary breast cancer; hereditary breast carcinoma; BREAST CANCER, FAMILIAL. Identifiers: Orphanet 227535, MedGen C0346153, MONDO:0016419, OMIM 114480. Disease mechanism: loss of function.
Malignant tumor of breast. Also called: Malignant breast neoplasm; Cancer breast. Identifiers: MedGen C0006142, MONDO:0007254. Disease mechanism: loss of function.

Allele frequency attached by ClinVar (database versions not stated): 1000 Genomes Project 0.00499; gnomAD 0.00514 and 0.00474; TOPMed 0.00522; gnomAD exomes 0.00041 and 0.00116; ExAC 0.00155; 1000 Genomes Project 30x 0.00406; ESP Exome Variant Server 0.00492.
gnomAD v4.1: 1,380 of 1,613,446 alleles (0.086%); highest among the groups gnomAD compares: African/African-American, 1.5%; 17 homozygotes.

Submissions 1 to 22 of 35:

Evidence-based Network for the Interpretation of Germline Mutant Alleles (ENIGMA)
Classification: Benign for Breast-ovarian cancer, familial 1. Last evaluated: 2015-01-12. Review status: reviewed by expert panel. Criteria: ENIGMA BRCA1/2 Classification Criteria (2015). Collection method: curation. Allele origin: germline.
Comment: Class 1 not pathogenic based on frequency >1% in an outbred sampleset. Frequency 0.02033 (African), derived from 1000 genomes (2012-04-30).

Labcorp Genetics (formerly Invitae), Labcorp
Classification: Benign for Hereditary breast ovarian cancer syndrome. Last evaluated: 2026-02-04. Review status: criteria provided, single submitter. Criteria: Invitae Variant Classification Sherloc (09022015). Collection method: clinical testing. Allele origin: germline. Not counted in ClinVar's aggregate classification.

Cambridge Genomics Laboratory, East Genomic Laboratory Hub, NHS Genomic Medicine Service
Classification: Benign for Inherited breast cancer and ovarian cancer. Last evaluated: 2026-01-12. Review status: criteria provided, single submitter. Criteria: ACGS Best Practice Guidelines for Variant Classification in Rare Disease 2020. Collection method: clinical testing. Allele origin: germline. Affected: yes. Not counted in ClinVar's aggregate classification.
Comment: BS3_Strong,BS1_Strong,BP4

Genomic Medicine Center of Excellence, King Faisal Specialist Hospital and Research Centre
Classification: Likely benign. Last evaluated: 2025-08-18. Review status: criteria provided, single submitter. Criteria: ACMG Guidelines, 2015. Collection method: clinical testing. Allele origin: germline. Not counted in ClinVar's aggregate classification.

Center for Genomic Medicine, Rigshospitalet, Copenhagen University Hospital
Classification: Benign. Last evaluated: 2025-03-04. Review status: criteria provided, single submitter. Criteria: ACMG Guidelines, 2015. Collection method: clinical testing. Allele origin: germline. Not counted in ClinVar's aggregate classification.

ARUP Laboratories, Molecular Genetics and Genomics, ARUP Laboratories
Classification: Benign. Last evaluated: 2025-02-18. Review status: criteria provided, single submitter. Criteria: ARUP Molecular Germline Variant Investigation Process 2024. Collection method: clinical testing. Allele origin: germline. Not counted in ClinVar's aggregate classification.

Blueprint Genetics
Classification: Likely benign. Last evaluated: 2024-11-01. Review status: criteria provided, single submitter. Criteria: ACMG Guidelines, 2015. Collection method: clinical testing. Allele origin: germline. Not counted in ClinVar's aggregate classification.

KCCC/NGS Laboratory, Kuwait Cancer Control Center
Classification: Benign for Breast-ovarian cancer, familial, susceptibility to, 1. Last evaluated: 2023-07-07. Review status: criteria provided, single submitter. Criteria: ACMG Guidelines, 2015. Collection method: clinical testing. Allele origin: germline. Affected: yes. Not counted in ClinVar's aggregate classification.

National Health Laboratory Service, Universitas Academic Hospital and University of the Free State
Classification: Benign for Hereditary breast ovarian cancer syndrome. Last evaluated: 2022-04-19. Review status: criteria provided, single submitter. Criteria: ACMG Guidelines, 2015. Collection method: clinical testing. Allele origin: germline. Affected: yes. Observed: 57 variant alleles. Not counted in ClinVar's aggregate classification.

Mayo Clinic Laboratories, Mayo Clinic
Classification: Benign. Last evaluated: 2022-03-22. Review status: criteria provided, single submitter. Criteria: ACMG Guidelines, 2015. Collection method: clinical testing. Allele origin: germline. Observed: 17 variant alleles. Not counted in ClinVar's aggregate classification.
Comment: BS1, BS3, BP4, BP6

Genetics Program, Instituto Nacional de Cancer
Classification: Benign for Hereditary breast ovarian cancer syndrome. Last evaluated: 2021-11-01. Review status: criteria provided, single submitter. Criteria: ACMG Guidelines, 2015. Collection method: research. Allele origin: germline. Affected: yes. Not counted in ClinVar's aggregate classification.

Genetic Services Laboratory, University of Chicago
Classification: Benign. Last evaluated: 2021-02-15. Review status: criteria provided, single submitter. Criteria: ACMG Guidelines, 2015. Collection method: clinical testing. Allele origin: germline. Affected: no. Not counted in ClinVar's aggregate classification.

Sema4
Classification: Benign for Hereditary cancer-predisposing syndrome. Last evaluated: 2020-12-02. Review status: criteria provided, single submitter. Criteria: Sema4 Curation Guidelines. Collection method: curation. Allele origin: germline. Not counted in ClinVar's aggregate classification.

Illumina Laboratory Services, Illumina
Classification: Likely benign for Breast-ovarian cancer, familial, susceptibility to, 1. Last evaluated: 2018-07-23. Review status: criteria provided, single submitter. Criteria: ICSL Variant Classification Criteria 13 December 2019. Collection method: clinical testing. Allele origin: germline. Not counted in ClinVar's aggregate classification.
Comment: This variant was observed as part of a predisposition screen in an ostensibly healthy population. A literature search was performed for the gene, cDNA change, and amino acid change (where applicable). Publications were found based on this search. The evidence from the literature, in combination with allele frequency data from public databases where available, was sufficient to determine this variant is unlikely to cause disease. Therefore, this variant is classified as likely benign.

CHEO Genetics Diagnostic Laboratory, Children's Hospital of Eastern Ontario
Classification: Benign for Breast and/or ovarian cancer. Last evaluated: 2017-11-17. Review status: criteria provided, single submitter. Criteria: ACMG Guidelines, 2015. Collection method: clinical testing. Allele origin: germline. Not counted in ClinVar's aggregate classification.

Clinical Genetics DNA and cytogenetics Diagnostics Lab, Erasmus MC, Erasmus Medical Center
Classification: Benign for Breast-ovarian cancer, familial, susceptibility to, 1. Last evaluated: 2017-05-31. Review status: criteria provided, single submitter. Criteria: ACGS Guidelines, 2013. Collection method: clinical testing. Allele origin: germline. Affected: yes. Study: VKGL Data-share Consensus. Not counted in ClinVar's aggregate classification.

Cancer Genetics and Genomics Laboratory, British Columbia Cancer Agency
Classification: Benign. Last evaluated: 2017-04-18. Review status: criteria provided, single submitter. Criteria: ACMG Guidelines, 2015. Collection method: clinical testing. Allele origin: germline. Study: The Canadian Open Genetics Repository (COGR). Not counted in ClinVar's aggregate classification.

Baylor Genetics
Classification: Benign for Familial cancer of breast. Last evaluated: 2017-02-23. Review status: criteria provided, single submitter. Criteria: ACMG Guidelines, 2015. Collection method: clinical testing. Allele origin: germline. Inheritance: Autosomal dominant inheritance. Affected: no. Not counted in ClinVar's aggregate classification.

PreventionGenetics, part of Exact Sciences
Classification: Benign. Last evaluated: 2016-10-03. Review status: criteria provided, single submitter. Criteria: ACMG Guidelines, 2015. Collection method: clinical testing. Allele origin: germline. Not counted in ClinVar's aggregate classification.

Vantari Genetics
Classification: Benign for Hereditary cancer-predisposing syndrome. Last evaluated: 2016-02-04. Review status: criteria provided, single submitter. Criteria: ACMG Guidelines, 2015. Collection method: clinical testing. Allele origin: germline. Not counted in ClinVar's aggregate classification.

Fulgent Genetics
Classification: Likely benign for Breast-ovarian cancer, familial, susceptibility to, 1. Last evaluated: 2015-08-07. Review status: criteria provided, single submitter. Criteria: ACMG Guidelines, 2015. Collection method: clinical testing. Allele origin: unknown. Inheritance: Autosomal dominant inheritance. Not counted in ClinVar's aggregate classification.

Color Diagnostics, LLC DBA Color Health
Classification: Benign for Hereditary cancer-predisposing syndrome. Last evaluated: 2015-06-09. Review status: criteria provided, single submitter. Criteria: ACMG Guidelines, 2015. Collection method: clinical testing. Allele origin: germline. Not counted in ClinVar's aggregate classification.

NM_007294.4(BRCA1):c.5406+8T>C

Gene: BRCA1 (BRCA1 DNA repair associated; minus strand). Cytogenetic location: 17q21.31.
Variant type: single nucleotide variant.
Coding change: c.5406+8T>C on transcript NM_007294.4 (MANE Select); 8 bases into the intron after coding-DNA position 5406, T replaced by C.
Molecular consequence: intron variant.
Genome position (GRCh38, 1-based): chr17:43,049,113, A>G on the plus strand (T>C on the coding strand, the complement: BRCA1 is on the minus strand). VCF-style: chr17-43049113-A-G. GRCh37 (hg19) VCF-style: chr17-41201130-A-G.
Other names: IVS22+8T/C; IVS 22+8T>C; p.?; c.1953+8T>C (NM_001408458.1, NM_001408461.1, NM_001408464.1 and 7 more transcripts); c.4515+8T>C (NM_001407967.1); c.5025+8T>C (NM_001407959.1); c.5139+8T>C (NM_001407931.1, NM_001407932.1, NM_001407928.1 and 4 more transcripts); c.5262+8T>C (NM_001407747.1, NM_001407745.1, NM_001407737.1 and 18 more transcripts); and 87 more.
Identifiers: ClinVar variation 125843 (VCV000125843.120), dbSNP rs55946644, ClinGen allele CA003565.